The following is an entry in ClinVar:

NM_001353345.2(SETD1B):c.1510G>A (p.Glu504Lys)

Gene: SETD1B (SET domain containing 1B, histone lysine methyltransferase; plus strand). Cytogenetic location: 12q24.31.
Variant type: single nucleotide variant.
Coding change: c.1510G>A on transcript NM_001353345.2 (MANE Select); coding-DNA position 1510, G replaced by A.
Protein change: p.Glu504Lys; replaces glutamic acid 504 with lysine.
Molecular consequence: missense variant.
Genome position (GRCh38, 1-based): chr12:121,810,455, G>A. VCF-style: chr12-121810455-G-A. GRCh37 (hg19) VCF-style: chr12-122248361-G-A.
Other names: short protein forms E504K.
Identifiers: ClinVar variation 4537907 (VCV004537907.2).

ClinVar aggregate classification (germline): Uncertain significance (1 of 4 stars; one submission).

gnomAD v4.1: 3 of 1,548,970 alleles (0.00019%); highest among the groups gnomAD compares: Non-Finnish European, 0.00026%; no homozygotes.

Submission:

GeneDx
Classification: Uncertain significance. Last evaluated: 2026-05-06. Review status: criteria provided, single submitter. Criteria: GeneDx Variant Classification Process June 2021. Collection method: clinical testing. Allele origin: germline.
Comment: In silico analysis supports that this missense variant has a deleterious effect on protein structure/function; Has not been previously published as pathogenic or benign to our knowledge